The following is an entry in ClinVar:

NM_024685.4(BBS10):c.5T>G (p.Leu2Ter)

Gene: BBS10 (Bardet-Biedl syndrome 10; minus strand). Cytogenetic location: 12q21.2.
Variant type: single nucleotide variant.
Coding change: c.5T>G on transcript NM_024685.4 (MANE Select); coding-DNA position 5, T replaced by G.
Protein change: p.Leu2Ter; replaces leucine 2 with a stop codon.
Molecular consequence: nonsense.
Genome position (GRCh38, 1-based): chr12:76,348,354, A>C on the plus strand (T>G on the coding strand, the complement: BBS10 is on the minus strand). VCF-style: chr12-76348354-A-C. GRCh37 (hg19) VCF-style: chr12-76742134-A-C.
Other names: short protein forms L2*.
Identifiers: ClinVar variation 3645625 (VCV003645625.2).
Genomic context (GRCh38, chr12:76,348,354, plus strand): 5'-TCCAGCACCTCGGCCACCTGCAACGCCGCCTTCACAGACCCTGCAGCGGCCATAGAACTT[A>C]ACATATCTGGGCCGCTTCCCCTTTTTGACCAGCTTGCAGAACACCCGGGCCGACCGAAAA-3'

ClinVar aggregate classification (germline): Pathogenic (1 of 4 stars; one submission).

Conditions:
Bardet-Biedl syndrome (BBS). Identifiers: Orphanet 110, MedGen C0752166, MONDO:0015229.

Submission:

Labcorp Genetics (formerly Invitae), Labcorp
Classification: Pathogenic for Bardet-Biedl syndrome. Last evaluated: 2024-03-13. Review status: criteria provided, single submitter. Criteria: Invitae Variant Classification Sherloc (09022015). Collection method: clinical testing. Allele origin: germline.
Comment: This sequence change creates a premature translational stop signal (p.Leu2*) in the BBS10 gene. It is expected to result in an absent or disrupted protein product. Loss-of-function variants in BBS10 are known to be pathogenic (PMID: 26273430, 27659767). This variant is not present in population databases (gnomAD no frequency). This variant has not been reported in the literature in individuals affected with BBS10-related conditions. For these reasons, this variant has been classified as Pathogenic.

Literature cited by the submitters: PubMed 26273430; PubMed 27659767.